The following is an entry in ClinVar:

ClinVar aggregate classification (germline): Benign/Likely benign. Review status: criteria provided, multiple submitters, no conflicts (2 of 4 stars). 5 submissions from 5 submitters: Benign (2); Likely benign (1). 2 of the submissions do not count toward it. Last evaluated 2026-01-28.

Conditions:
Sandhoff disease. Also called: GM2-GANGLIOSIDOSIS, TYPE II; HEXOSAMINIDASES A AND B DEFICIENCY; Beta-hexosaminidase-beta-subunit deficiency; GM2 gangliosidosis, type 2; Total hexosaminidase deficiency; Sandhoff-Jatzkewitz-Pilz disease. Identifiers: Orphanet 796, MedGen C0036161, MONDO:0010006, OMIM 268800.
HEXB-related disorder. Also called: HEXB-related condition.

Allele frequency attached by ClinVar (database versions not stated): ESP Exome Variant Server 0.00515; gnomAD 0.00569; TOPMed 0.00626; 1000 Genomes Project 0.00739; 1000 Genomes Project 30x 0.00781.
gnomAD v4.1: 1,498 of 1,572,176 alleles (0.095%); highest among the groups gnomAD compares: African/African-American, 1.8%; 18 homozygotes.

Submissions (5):

Labcorp Genetics (formerly Invitae), Labcorp
Classification: Benign for Sandhoff disease. Last evaluated: 2026-01-28. Review status: criteria provided, single submitter. Criteria: Invitae Variant Classification Sherloc (09022015). Collection method: clinical testing. Allele origin: germline.

GeneDx
Classification: Likely benign. Last evaluated: 2018-07-15. Review status: criteria provided, single submitter. Criteria: GeneDx Variant Classification Process June 2021. Collection method: clinical testing. Allele origin: germline. Affected: yes.

Illumina Laboratory Services, Illumina
Classification: Benign for Sandhoff disease. Last evaluated: 2018-01-13. Review status: criteria provided, single submitter. Criteria: ICSL Variant Classification Criteria 13 December 2019. Collection method: clinical testing. Allele origin: germline.
Comment: This variant was observed in the ICSL laboratory as part of a predisposition screen in an ostensibly healthy population. It had not been previously curated by ICSL or reported in the Human Gene Mutation Database (HGMD: prior to June 1st, 2018), and was therefore a candidate for classification through an automated scoring system. Utilizing variant allele frequency, disease prevalence and penetrance estimates, and inheritance mode, an automated score was calculated to assess if this variant is too frequent to cause the disease. Based on the score and internal cut-off values, a variant classified as benign is not then subjected to further curation. The score for this variant resulted in a classification of benign for this disease.

PreventionGenetics, part of Exact Sciences
Classification: Benign for HEXB-related condition. Last evaluated: 2024-05-15. Review status: no assertion criteria provided. Collection method: clinical testing. Allele origin: germline. Not counted in ClinVar's aggregate classification.
Comment: This variant is classified as benign based on ACMG/AMP sequence variant interpretation guidelines (Richards et al. 2015 PMID: 25741868, with internal and published modifications).

Natera, Inc.
Classification: Benign for Sandhoff disease. Last evaluated: 2020-09-16. Review status: no assertion criteria provided. Collection method: clinical testing. Allele origin: germline. Not counted in ClinVar's aggregate classification.

NM_000521.4(HEXB):c.276C>T (p.Thr92=)

Gene: HEXB (hexosaminidase subunit beta; plus strand). Cytogenetic location: 5q13.3.
Variant type: single nucleotide variant.
Coding change: c.276C>T on transcript NM_000521.4 (MANE Select); coding-DNA position 276, C replaced by T.
Protein change: p.Thr92=; no amino-acid change (threonine 92 retained).
Molecular consequence: synonymous variant. On other transcripts: intron variant (1).
Genome position (GRCh38, 1-based): chr5:74,685,536, C>T. VCF-style: chr5-74685536-C-T. GRCh37 (hg19) VCF-style: chr5-73981361-C-T.
Other names: c.-376-3792C>T (NM_001292004.2).
Identifiers: ClinVar variation 703484 (VCV000703484.21), dbSNP rs140509633, ClinGen allele CA3305779.